The following is an entry in ClinVar:

NM_001378615.1(CC2D2A):c.4540C>T (p.Arg1514Cys)

Genes: CC2D2A (coiled-coil and C2 domain containing 2A; plus strand), FBXL5 (F-box and leucine rich repeat protein 5; minus strand). Cytogenetic location: 4p15.32.
Variant type: single nucleotide variant.
Coding change: c.4540C>T on transcript NM_001378615.1 (MANE Select); coding-DNA position 4540, C replaced by T.
Protein change: p.Arg1514Cys; replaces arginine 1514 with cysteine.
Molecular consequence: missense variant.
Genome position (GRCh38, 1-based): chr4:15,599,572, C>T. VCF-style: chr4-15599572-C-T. GRCh37 (hg19) VCF-style: chr4-15601195-C-T.
Other names: c.4540C>T, p.Arg1514Cys (NM_001080522.2); c.4393C>T, p.Arg1465Cys (NM_001378617.1); short protein forms R1465C, R1514C.
Identifiers: ClinVar variation 1361129 (VCV001361129.6), dbSNP rs756324214, ClinGen allele CA2864410.
Genomic context (GRCh38, chr4:15,599,572, plus strand): 5'-TTATGTTTTGTGAACAGGATTGAAAAAATACTAAAAGAAAAAATCATGGACTGGAGGCCA[C>T]GCCATCTGACTCGGTGGAATAGGTATTGTACCTCTACTCTGCGTCACTTCTTGCCTCTGT-3'
Protein context (NP_001365544.1, residues 1504-1524): LKEKIMDWRP[Arg1514Cys]HLTRWNRYCT

ClinVar aggregate classification (germline): Uncertain significance. Review status: criteria provided, multiple submitters, no conflicts (2 of 4 stars). 2 submissions from 2 submitters: Uncertain significance (2). Last evaluated 2024-01-01.

Conditions:
Joubert syndrome 9 (JBTS9). Identifiers: Orphanet 2318, MedGen C2676788, MONDO:0012849, OMIM 612285.
COACH syndrome 2. Identifiers: MedGen C5436837, MONDO:0030859, OMIM 619111.
Meckel syndrome, type 6. Identifiers: Orphanet 564, MedGen C2676790, MONDO:0012848, OMIM 612284.
Retinitis pigmentosa 93. Identifiers: MedGen C5676970, MONDO:0030797, OMIM 619845.
Joubert syndrome. Also called: JOUBERT-BOLTSHAUSER SYNDROME; Familial aplasia of the vermis. Identifiers: Orphanet 475, MedGen C5979921, MONDO:0018772.
Meckel-Gruber syndrome. Also called: DYSENCEPHALIA SPLANCHNOCYSTICA; GRUBER SYNDROME; Dysencephalia splachnocystica. Identifiers: Orphanet 564, MedGen C0265215, MONDO:0018921.

Allele frequency attached by ClinVar (database versions not stated): TOPMed 0.00001; ExAC 0.00004; gnomAD exomes 0.00005.
gnomAD v4.1: 63 of 1,597,354 alleles (0.0039%); highest among the groups gnomAD compares: East Asian, 0.009%; no homozygotes.

Submissions (2):

Fulgent Genetics
Classification: Uncertain significance for Meckel syndrome, type 6; Joubert syndrome 9; COACH syndrome 2; Retinitis pigmentosa 93. Last evaluated: 2024-01-01. Review status: criteria provided, single submitter. Criteria: ACMG Guidelines, 2015. Collection method: clinical testing. Allele origin: germline.

Labcorp Genetics (formerly Invitae), Labcorp
Classification: Uncertain significance for Joubert syndrome; Meckel-Gruber syndrome. Last evaluated: 2022-06-18. Review status: criteria provided, single submitter. Criteria: Invitae Variant Classification Sherloc (09022015). Collection method: clinical testing. Allele origin: germline.
Comment: This sequence change replaces arginine, which is basic and polar, with cysteine, which is neutral and slightly polar, at codon 1514 of the CC2D2A protein (p.Arg1514Cys). This variant is present in population databases (rs756324214, gnomAD 0.02%). This variant has not been reported in the literature in individuals affected with CC2D2A-related conditions. Advanced modeling of protein sequence and biophysical properties (such as structural, functional, and spatial information, amino acid conservation, physicochemical variation, residue mobility, and thermodynamic stability) performed at Invitae indicates that this missense variant is expected to disrupt CC2D2A protein function. In summary, the available evidence is currently insufficient to determine the role of this variant in disease. Therefore, it has been classified as a Variant of Uncertain Significance.